The following is an entry in ClinVar:

ClinVar aggregate classification (germline): Likely benign. Review status: criteria provided, multiple submitters, no conflicts (2 of 4 stars). 6 submissions from 6 submitters: Likely benign (5). 1 of the submissions does not count toward it. Last evaluated 2026-05-01.

Conditions:
KANK1-related disorder. Also called: KANK1-related condition.
Cerebral palsy, spastic quadriplegic, 2 (CPSQ2). Identifiers: Orphanet 210141, MedGen C2752061, MONDO:0013033, OMIM 612900.

Allele frequency attached by ClinVar (database versions not stated): 1000 Genomes Project 0.00040; 1000 Genomes Project 30x 0.00047; gnomAD 0.00073; ExAC 0.00083; TOPMed 0.00089; ESP Exome Variant Server 0.00131.
gnomAD v4.1: 1,590 of 1,614,186 alleles (0.099%); highest among the groups gnomAD compares: Non-Finnish European, 0.12%; 1 homozygote.

Submissions (6):

CeGaT Center for Human Genetics Tuebingen
Classification: Likely benign. Last evaluated: 2026-05-01. Review status: criteria provided, single submitter. Criteria: CeGaT Center For Human Genetics Tuebingen Variant Classification Criteria Version 2. Collection method: clinical testing. Allele origin: germline. Affected: yes. Observed: 4 variant alleles.
Comment: KANK1: BP4, BP7

Labcorp Genetics (formerly Invitae), Labcorp
Classification: Likely benign. Last evaluated: 2025-12-26. Review status: criteria provided, single submitter. Criteria: Invitae Variant Classification Sherloc (09022015). Collection method: clinical testing. Allele origin: germline.

Blueprint Genetics
Classification: Likely benign. Last evaluated: 2024-10-04. Review status: criteria provided, single submitter. Criteria: ACMG Guidelines, 2015. Collection method: clinical testing. Allele origin: germline.

Fulgent Genetics
Classification: Likely benign for Cerebral palsy, spastic quadriplegic, 2. Last evaluated: 2021-09-10. Review status: criteria provided, single submitter. Criteria: ACMG Guidelines, 2015. Collection method: clinical testing. Allele origin: unknown.

Breakthrough Genomics
Classification: Likely benign. Review status: criteria provided, single submitter. Criteria: ACMG Guidelines, 2015. Collection method: not provided. Allele origin: germline. Inheritance: Unknown mechanism. Affected: yes.

PreventionGenetics, part of Exact Sciences
Classification: Likely benign for KANK1-related condition. Last evaluated: 2019-05-24. Review status: no assertion criteria provided. Collection method: clinical testing. Allele origin: germline. Not counted in ClinVar's aggregate classification.
Comment: This variant is classified as likely benign based on ACMG/AMP sequence variant interpretation guidelines (Richards et al. 2015 PMID: 25741868, with internal and published modifications).

NM_015158.5(KANK1):c.2544G>C (p.Leu848=)

Gene: KANK1 (KN motif and ankyrin repeat domains 1; plus strand). Cytogenetic location: 9p24.3.
Variant type: single nucleotide variant.
Coding change: c.2544G>C on transcript NM_015158.5 (MANE Select); coding-DNA position 2544, G replaced by C.
Protein change: p.Leu848=; no amino-acid change (leucine 848 retained).
Molecular consequence: synonymous variant. On other transcripts: non-coding transcript variant (1).
Genome position (GRCh38, 1-based): chr9:713,310, G>C. VCF-style: chr9-713310-G-C. GRCh37 (hg19) VCF-style: chr9-713310-G-C.
Other names: c.2544G>C, p.Leu848= (NM_001256876.3, NM_001256877.3, NM_001354331.2 and 2 more transcripts); c.2070G>C, p.Leu690= (NM_001354333.2, NM_001354335.2, NM_001354336.2 and 9 more transcripts).
Identifiers: ClinVar variation 718155 (VCV000718155.27), dbSNP rs138739899, ClinGen allele CA4960533.
Genomic context (GRCh38, chr9:713,310, plus strand): 5'-GCGTATCCAGAAGCTGCTGGCAGAACAGCAGACACTGCTGGCTGAGAACTACAGTGAACT[G>C]GCAGAAGCTTTCGGGGAACCTCACTCACAGATGGGCTCCCTCAACTCTCAGCTCATCAGC-3'
Protein context (NP_055973.2, residues 838-858): QTLLAENYSE[Leu848=]AEAFGEPHSQ